The following is an entry in ClinVar:

NM_001261826.3(AP3D1):c.2194C>T (p.Arg732Trp)

Gene: AP3D1 (adaptor related protein complex 3 subunit delta 1; minus strand). Cytogenetic location: 19p13.3.
Variant type: single nucleotide variant.
Coding change: c.2194C>T on transcript NM_001261826.3 (MANE Select); coding-DNA position 2194, C replaced by T.
Protein change: p.Arg732Trp; replaces arginine 732 with tryptophan.
Molecular consequence: missense variant.
Genome position (GRCh38, 1-based): chr19:2,115,374, G>A on the plus strand (C>T on the coding strand, the complement: AP3D1 is on the minus strand). VCF-style: chr19-2115374-G-A. GRCh37 (hg19) VCF-style: chr19-2115373-G-A.
Other names: c.2194C>T, p.Arg732Trp (NM_001374799.1, NM_003938.8); short protein forms R732W.
Identifiers: ClinVar variation 1384910 (VCV001384910.8), dbSNP rs368491820, ClinGen allele CA9058964.
Genomic context (GRCh38, chr19:2,115,374, plus strand): 5'-TCTTCTCCTTCTCCTTCCTCTTTTTCCTCCTCTTGTCCTTCTCCAGCTTCTGCCGGTGCC[G>A]CCGCTCCTCCTCCAGCTTCACATACTGATCTGACATAGGCAGCCCTGCGGGCCGGCAGCG-3'
Protein context (NP_001248755.1, residues 722-742): DQYVKLEEER[Arg732Trp]HRQKLEKDKR

ClinVar aggregate classification (germline): Uncertain significance (1 of 4 stars; one submission).

Allele frequency attached by ClinVar (database versions not stated): ExAC 0.00001; gnomAD exomes 0.00001 and 0.00003; gnomAD 0.00003 and 0.00004; TOPMed 0.00005; ESP Exome Variant Server 0.00016.
gnomAD v4.1: 49 of 1,606,480 alleles (0.0031%); highest among the groups gnomAD compares: Middle Eastern, 0.099%; no homozygotes.

Submission:

Labcorp Genetics (formerly Invitae), Labcorp
Classification: Uncertain significance. Last evaluated: 2025-10-29. Review status: criteria provided, single submitter. Criteria: Invitae Variant Classification Sherloc (09022015). Collection method: clinical testing. Allele origin: germline.
Comment: This sequence change replaces arginine, which is basic and polar, with tryptophan, which is neutral and slightly polar, at codon 732 of the AP3D1 protein (p.Arg732Trp). This variant is present in population databases (rs368491820, gnomAD 0.003%). This variant has not been reported in the literature in individuals affected with AP3D1-related conditions. ClinVar contains an entry for this variant (Variation ID: 1384910). An algorithm developed to predict the effect of missense changes on protein structure and function (PolyPhen-2) suggests that this variant is likely to be disruptive. In summary, the available evidence is currently insufficient to determine the role of this variant in disease. Therefore, it has been classified as a Variant of Uncertain Significance.